The following is an entry in ClinVar:

ClinVar aggregate classification (germline): Conflicting classifications of pathogenicity. Review status: criteria provided, conflicting classifications (1 of 4 stars). 3 submissions from 3 submitters: Uncertain significance (2); Likely benign (1). Last evaluated 2025-04-10.

Conditions:
Angelman syndrome-like. Identifiers: MedGen CN128785.
Developmental and epileptic encephalopathy, 2 (DEE2). Also called: INFANTILE SPASM SYNDROME, X-LINKED 2; CDKL5 deficiency disorder. Identifiers: Orphanet 1934, Orphanet 3451, Orphanet 505652, MedGen C4750718, MONDO:0010396, OMIM 300672.

Submissions (3):

Labcorp Genetics (formerly Invitae), Labcorp
Classification: Uncertain significance for Developmental and epileptic encephalopathy, 2; Angelman syndrome-like. Last evaluated: 2025-04-10. Review status: criteria provided, single submitter. Criteria: Invitae Variant Classification Sherloc (09022015). Collection method: clinical testing. Allele origin: germline.
Comment: This sequence change replaces asparagine, which is neutral and polar, with aspartic acid, which is acidic and polar, at codon 146 of the CDKL5 protein (p.Asn146Asp). This variant is not present in population databases (gnomAD no frequency). This variant has not been reported in the literature in individuals affected with CDKL5-related conditions. ClinVar contains an entry for this variant (Variation ID: 1052159). Invitae Evidence Modeling of protein sequence and biophysical properties (such as structural, functional, and spatial information, amino acid conservation, physicochemical variation, residue mobility, and thermodynamic stability) indicates that this missense variant is not expected to disrupt CDKL5 protein function with a negative predictive value of 95%. In summary, the available evidence is currently insufficient to determine the role of this variant in disease. Therefore, it has been classified as a Variant of Uncertain Significance.

3billion
Classification: Likely benign for Developmental and epileptic encephalopathy, 2. Last evaluated: 2024-09-20. Review status: criteria provided, single submitter. Criteria: ACMG Guidelines, 2015. Collection method: clinical testing. Allele origin: germline. Affected: no.
Comment: The hemizygous variant was found in patients diagnosed with another variant in a different gene, with no symptoms related to the gene containing the hemizygous variant.

Women's Health and Genetics/Laboratory Corporation of America, LabCorp
Classification: Uncertain significance. Last evaluated: 2023-08-10. Review status: criteria provided, single submitter. Criteria: LabCorp Variant Classification Summary - May 2015. Collection method: clinical testing. Allele origin: germline.
Comment: Variant summary: CDKL5 c.436A>G (p.Asn146Asp) results in a conservative amino acid change located in the protein kinase domain (IPR000719) of the encoded protein sequence. Four of five in-silico tools predict a benign effect of the variant on protein function. The variant was absent in 181973 control chromosomes (gnomAD). The available data on variant occurrences in the general population are insufficient to allow any conclusion about variant significance. To our knowledge, no occurrence of c.436A>G in individuals affected with Early Infantile Epileptic Encephalopathy 2 and no experimental evidence demonstrating its impact on protein function have been reported. One submitter has cited clinical-significance assessments for this variant to ClinVar after 2014 and has classified the variant as uncertain significance. Based on the evidence outlined above, the variant was classified as uncertain significance.

NM_001323289.2(CDKL5):c.436A>G (p.Asn146Asp)

Gene: CDKL5 (cyclin dependent kinase like 5; plus strand). Cytogenetic location: Xp22.13.
Variant type: single nucleotide variant.
Coding change: c.436A>G on transcript NM_001323289.2 (MANE Select); coding-DNA position 436, A replaced by G.
Protein change: p.Asn146Asp; replaces asparagine 146 with aspartic acid.
Molecular consequence: missense variant.
Genome position (GRCh38, 1-based): chrX:18,581,923, A>G. VCF-style: chrX-18581923-A-G. GRCh37 (hg19) VCF-style: chrX-18600043-A-G.
Other names: c.436A>G, p.Asn146Asp (NM_001037343.2, NM_003159.3); short protein forms N146D.
Identifiers: ClinVar variation 1052159 (VCV001052159.13), dbSNP rs2147144038, ClinGen allele CA412350916.